The following is an entry in ClinVar:

ClinVar aggregate classification (germline): Uncertain significance (1 of 4 stars; one submission).

Conditions:
Autosomal recessive limb-girdle muscular dystrophy type 2E (LGMDR4). Also called: MUSCULAR DYSTROPHY, LIMB-GIRDLE, AUTOSOMAL RECESSIVE 4. Identifiers: Orphanet 119, MedGen C1858593, MONDO:0011423, OMIM 604286. Disease mechanism: Affects gamma-sarcoglycan and also disrupts the integrity of the entire sarcoglycan complex..

Submission:

Labcorp Genetics (formerly Invitae), Labcorp
Classification: Uncertain significance for Autosomal recessive limb-girdle muscular dystrophy type 2E. Last evaluated: 2018-03-16. Review status: criteria provided, single submitter. Criteria: Invitae Variant Classification Sherloc (09022015). Collection method: clinical testing. Allele origin: germline.
Comment: In summary, the available evidence is currently insufficient to determine the role of this variant in disease. Therefore, it has been classified as a Variant of Uncertain Significance. Algorithms developed to predict the effect of missense changes on protein structure and function do not agree on the potential impact of this missense change (SIFT: "Deleterious"; PolyPhen-2: "Benign"; Align-GVGD: "Class C15"). This variant has not been reported in the literature in individuals with SGCB-related disease. This variant is not present in population databases (ExAC no frequency). This sequence change replaces glutamine with proline at codon 201 of the SGCB protein (p.Gln201Pro). The glutamine residue is moderately conserved and there is a moderate physicochemical difference between glutamine and proline.

NM_000232.5(SGCB):c.602A>C (p.Gln201Pro)

Gene: SGCB (sarcoglycan beta; minus strand). Cytogenetic location: 4q12.
Variant type: single nucleotide variant.
Coding change: c.602A>C on transcript NM_000232.5 (MANE Select); coding-DNA position 602, A replaced by C.
Protein change: p.Gln201Pro; replaces glutamine 201 with proline.
Molecular consequence: missense variant.
Genome position (GRCh38, 1-based): chr4:52,028,749, T>G on the plus strand (A>C on the coding strand, the complement: SGCB is on the minus strand). VCF-style: chr4-52028749-T-G. GRCh37 (hg19) VCF-style: chr4-52894915-T-G.
Other names: short protein forms Q201P.
Identifiers: ClinVar variation 570527 (VCV000570527.9), dbSNP rs1560567321, ClinGen allele CA356876529.